The following is an entry in ClinVar:

ClinVar aggregate classification (germline): Uncertain significance (1 of 4 stars; one submission).

gnomAD v4.1: 1 of 1,613,978 alleles (0.000062%); highest among the groups gnomAD compares: Admixed American, 0.0017%; no homozygotes.

Submission:

Labcorp Genetics (formerly Invitae), Labcorp
Classification: Uncertain significance. Last evaluated: 2025-10-18. Review status: criteria provided, single submitter. Criteria: Invitae Variant Classification Sherloc (09022015). Collection method: clinical testing. Allele origin: germline.
Comment: This sequence change affects codon 48 of the BLVRA mRNA. It is a 'silent' change, meaning that it does not change the encoded amino acid sequence of the BLVRA protein. This variant is not present in population databases (gnomAD no frequency). This variant has not been reported in the literature in individuals affected with BLVRA-related conditions. ClinVar contains an entry for this variant (Variation ID: 3675297). Algorithms developed to predict the effect of sequence changes on RNA splicing suggest that this variant may disrupt the consensus splice site. In summary, the available evidence is currently insufficient to determine the role of this variant in disease. Therefore, it has been classified as a Variant of Uncertain Significance.

NM_000712.4(BLVRA):c.144C>A (p.Leu48=)

Gene: BLVRA (biliverdin reductase A; plus strand). Cytogenetic location: 7p13.
Variant type: single nucleotide variant.
Coding change: c.144C>A on transcript NM_000712.4 (MANE Select); coding-DNA position 144, C replaced by A.
Protein change: p.Leu48=; no amino-acid change (leucine 48 retained).
Molecular consequence: synonymous variant.
Genome position (GRCh38, 1-based): chr7:43,791,258, C>A. VCF-style: chr7-43791258-C-A. GRCh37 (hg19) VCF-style: chr7-43830857-C-A.
Other names: c.144C>A, p.Leu48= (NM_001253823.2).
Identifiers: ClinVar variation 3675297 (VCV003675297.2).